The following is an entry in ClinVar:

ClinVar aggregate classification (germline): Uncertain significance (1 of 4 stars; one submission).

Conditions:
Hereditary cancer-predisposing syndrome. Also called: Neoplastic Syndromes, Hereditary; Tumor predisposition; Hereditary Cancer Syndrome; Hereditary neoplastic syndrome. Identifiers: Orphanet 140162, MedGen C0027672, MeSH D009386, MONDO:0015356.

Submission:

Ambry Genetics
Classification: Uncertain significance for Hereditary cancer-predisposing syndrome. Last evaluated: 2022-03-25. Review status: criteria provided, single submitter. Criteria: Ambry Variant Classification Scheme 2023. Collection method: clinical testing. Allele origin: germline.
Comment: The c.395-3C>T intronic variant results from a C to T substitution 3 nucleotides upstream from coding exon 3 in the PTCH1 gene. This nucleotide position is well conserved in available vertebrate species. In silico splice site analysis predicts that this alteration will not have any significant effect on splicing. Since supporting evidence is limited at this time, the clinical significance of this alteration remains unclear.

NM_000264.5(PTCH1):c.395-3C>T

Gene: PTCH1 (patched 1; minus strand). Cytogenetic location: 9q22.32.
Variant type: single nucleotide variant.
Coding change: c.395-3C>T on transcript NM_000264.5 (MANE Select); 3 bases into the intron before coding-DNA position 395, C replaced by T.
Molecular consequence: intron variant.
Genome position (GRCh38, 1-based): chr9:95,485,877, G>A on the plus strand (C>T on the coding strand, the complement: PTCH1 is on the minus strand). VCF-style: chr9-95485877-G-A. GRCh37 (hg19) VCF-style: chr9-98248159-G-A.
Other names: c.392-3C>T (NM_001083603.3); c.197-3C>T (NM_001083602.3, NM_001354919.2); c.395-3C>T (NM_001354918.2); c.-59-3C>T (NM_001083605.3, NM_001083604.3, NM_001083606.3 and 1 more transcripts).
Identifiers: ClinVar variation 1736456 (VCV001736456.2), dbSNP rs2118551737, ClinGen allele CA2580081059.